The following is an entry in ClinVar:

NM_014516.4(CNOT3):c.2011C>T (p.Leu671Phe)

Gene: CNOT3 (CCR4-NOT transcription complex subunit 3; plus strand). Cytogenetic location: 19q13.42.
Variant type: single nucleotide variant.
Coding change: c.2011C>T on transcript NM_014516.4 (MANE Select); coding-DNA position 2011, C replaced by T.
Protein change: p.Leu671Phe; replaces leucine 671 with phenylalanine.
Molecular consequence: missense variant.
Genome position (GRCh38, 1-based): chr19:54,152,973, C>T. VCF-style: chr19-54152973-C-T. GRCh37 (hg19) VCF-style: chr19-54656710-C-T.
Other names: short protein forms L671F.
Identifiers: ClinVar variation 2499704 (VCV002499704.1), dbSNP rs2514256294, ClinGen allele CA407770542.
Genomic context (GRCh38, chr19:54,152,973, plus strand): 5'-CAGATGCCACCCCCACACTCGGACACTGTGGAATTCTACCAGCGCCTGTCGACCGAGACA[C>T]TCTTCTTCATCTTCTACTATCTGGAGGTACAGCAGGGCCCCCGGGGCAGCCTCGGGCCCC-3'
Protein context (NP_055331.1, residues 661-681): EFYQRLSTET[Leu671Phe]FFIFYYLEGT

ClinVar aggregate classification (germline): Uncertain significance (1 of 4 stars; one submission).

Submission:

GeneDx
Classification: Uncertain significance. Last evaluated: 2022-10-20. Review status: criteria provided, single submitter. Criteria: GeneDx Variant Classification Process June 2021. Collection method: clinical testing. Allele origin: germline. Affected: yes.
Comment: Not observed at significant frequency in large population cohorts (gnomAD); In silico analysis supports that this missense variant has a deleterious effect on protein structure/function; Has not been previously published as pathogenic or benign to our knowledge